The following is an entry in ClinVar:

ClinVar aggregate classification (germline): Conflicting classifications of pathogenicity. Review status: criteria provided, conflicting classifications (1 of 4 stars). 3 submissions from 3 submitters: Pathogenic (1); Likely pathogenic (1); Uncertain significance (1). Last evaluated 2025-09-19.

Conditions:
CDK9-related disorder. Also called: CDK9-related condition.

Allele frequency attached by ClinVar (database versions not stated): TOPMed below 0.00001; gnomAD 0.00001; gnomAD exomes 0.00001; ExAC 0.00003.

Submissions (3):

PreventionGenetics, part of Exact Sciences
Classification: Uncertain significance for CDK9-related condition. Last evaluated: 2025-09-19. Review status: criteria provided, single submitter. Criteria: ACMG Guidelines, 2015. Collection method: clinical testing. Allele origin: germline.
Comment: The CDK9 c.673C>T variant is predicted to result in the amino acid substitution p.Arg225Cys. This variant was reported in the homozygous state in two related individuals with multiple congenital anomalies representing a CHARGE-like syndrome (Family 1, Shaheen et al. 2016. PubMed ID: 26633546), and in the homozygous state in two additional individuals with multiple congenital anomalies, intellectual disability, and seizures (Patients 116 and 221 in Supplementary Table 3, Al-Dewik et al. 2019. PubMed ID: 30919572). Although we suspect that this variant may be pathogenic, at this time, the clinical significance of this variant is uncertain due to the absence of conclusive functional and genetic evidence.

GeneDx
Classification: Pathogenic. Last evaluated: 2024-10-18. Review status: criteria provided, single submitter. Criteria: GeneDx Variant Classification Process June 2021. Collection method: clinical testing. Allele origin: germline. Affected: yes.
Comment: Published functional studies suggest a damaging effect with this variant resulting in reduced activity (PMID: 33640901); Not observed at a significant frequency in large population cohorts (gnomAD); In silico analysis supports that this missense variant has a deleterious effect on protein structure/function; This variant is associated with the following publications: (PMID: 30237576, 26633546, 30919572, 32552793, 33640901, 37644014)

Genomic Medicine Center of Excellence, King Faisal Specialist Hospital and Research Centre
Classification: Likely pathogenic. Last evaluated: 2024-03-17. Review status: criteria provided, single submitter. Criteria: ACMG Guidelines, 2015. Collection method: research. Allele origin: germline.

NM_001261.4(CDK9):c.673C>T (p.Arg225Cys)

Gene: CDK9 (cyclin dependent kinase 9; plus strand). Cytogenetic location: 9q34.11.
Variant type: single nucleotide variant.
Coding change: c.673C>T on transcript NM_001261.4 (MANE Select); coding-DNA position 673, C replaced by T.
Protein change: p.Arg225Cys; replaces arginine 225 with cysteine.
Molecular consequence: missense variant.
Genome position (GRCh38, 1-based): chr9:127,788,612, C>T. VCF-style: chr9-127788612-C-T. GRCh37 (hg19) VCF-style: chr9-130550891-C-T.
Other names: short protein forms R225C.
Identifiers: ClinVar variation 1217410 (VCV001217410.9), dbSNP rs767418586, ClinGen allele CA5251809.